The following is an entry in ClinVar:

NM_001173467.3(SP7):c.144C>G (p.Tyr48Ter)

Gene: SP7 (Sp7 transcription factor; minus strand). Cytogenetic location: 12q13.13.
Variant type: single nucleotide variant.
Coding change: c.144C>G on transcript NM_001173467.3 (MANE Select); coding-DNA position 144, C replaced by G.
Protein change: p.Tyr48Ter; replaces tyrosine 48 with a stop codon.
Molecular consequence: nonsense.
Genome position (GRCh38, 1-based): chr12:53,329,298, G>C on the plus strand (C>G on the coding strand, the complement: SP7 is on the minus strand). VCF-style: chr12-53329298-G-C. GRCh37 (hg19) VCF-style: chr12-53723082-G-C.
Other names: c.90C>G, p.Tyr30Ter (NM_001300837.2); c.144C>G, p.Tyr48Ter (NM_152860.2); short protein forms Y48*, Y30*.
Identifiers: ClinVar variation 1506437 (VCV001506437.8), dbSNP rs1944675478, ClinGen allele CA385055195.

ClinVar aggregate classification (germline): Uncertain significance. Review status: criteria provided, multiple submitters, no conflicts (2 of 4 stars). 2 submissions from 2 submitters: Uncertain significance (2). Last evaluated 2022-03-03.

Conditions:
Osteogenesis imperfecta type 12 (OI12). Also called: OI, TYPE XII; Osteogenesis imperfecta, type XII. Identifiers: Orphanet 666, MedGen C3151433, MONDO:0013460, OMIM 613849.

Allele frequency attached by ClinVar (database versions not stated): TOPMed below 0.00001.
gnomAD v4.1: 1 of 1,613,954 alleles (0.000062%); no homozygotes.

Submissions (2):

Fulgent Genetics
Classification: Uncertain significance for Osteogenesis imperfecta type 12. Last evaluated: 2022-03-03. Review status: criteria provided, single submitter. Criteria: ACMG Guidelines, 2015. Collection method: clinical testing. Allele origin: unknown.

Labcorp Genetics (formerly Invitae), Labcorp
Classification: Uncertain significance. Last evaluated: 2021-07-28. Review status: criteria provided, single submitter. Criteria: Invitae Variant Classification Sherloc (09022015). Collection method: clinical testing. Allele origin: germline.
Comment: This variant is not present in population databases (ExAC no frequency). In summary, the available evidence is currently insufficient to determine the role of this variant in disease. Therefore, it has been classified as a Variant of Uncertain Significance. This variant has not been reported in the literature in individuals affected with SP7-related conditions. This sequence change creates a premature translational stop signal (p.Tyr48*) in the SP7 gene. While this is not anticipated to result in nonsense mediated decay, it is expected to disrupt the last 384 amino acid(s) of the SP7 protein.